The following is an entry in ClinVar:

ClinVar aggregate classification (germline): Benign. Review status: criteria provided, single submitter (1 of 4 stars). 2 submissions from 2 submitters: Benign (1). 1 of the submissions does not count toward it. Last evaluated 2026-01-28.

Conditions:
DHX37-related disorder. Also called: DHX37-related condition; DHX37-Related Disorders.

Allele frequency attached by ClinVar (database versions not stated): ESP Exome Variant Server 0.06876; TOPMed 0.07342; 1000 Genomes Project 30x 0.11305; 1000 Genomes Project 0.11382.
gnomAD v4.1: 35,709 of 1,605,992 alleles (2.2%); highest among the groups gnomAD compares: African/African-American, 20%; 2,727 homozygotes.

Submissions (2):

Labcorp Genetics (formerly Invitae), Labcorp
Classification: Benign. Last evaluated: 2026-01-28. Review status: criteria provided, single submitter. Criteria: Invitae Variant Classification Sherloc (09022015). Collection method: clinical testing. Allele origin: germline.

PreventionGenetics, part of Exact Sciences
Classification: Benign for DHX37-related condition. Last evaluated: 2020-01-02. Review status: no assertion criteria provided. Collection method: clinical testing. Allele origin: germline. Not counted in ClinVar's aggregate classification.
Comment: This variant is classified as benign based on ACMG/AMP sequence variant interpretation guidelines (Richards et al. 2015 PMID: 25741868, with internal and published modifications).

NM_032656.4(DHX37):c.738+4C>T

Gene: DHX37 (DEAH-box helicase 37; minus strand). Cytogenetic location: 12q24.31.
Variant type: single nucleotide variant.
Coding change: c.738+4C>T on transcript NM_032656.4 (MANE Select); 4 bases into the intron after coding-DNA position 738, C replaced by T.
Molecular consequence: intron variant.
Genome position (GRCh38, 1-based): chr12:124,980,486, G>A on the plus strand (C>T on the coding strand, the complement: DHX37 is on the minus strand). VCF-style: chr12-124980486-G-A. GRCh37 (hg19) VCF-style: chr12-125465032-G-A.
Other names: c.738+4C>T (NM_032656.3).
Identifiers: ClinVar variation 2038781 (VCV002038781.6), dbSNP rs4072888, ClinGen allele CA6872364.